The following is an entry in ClinVar:

NM_000313.4(PROS1):c.698G>A (p.Arg233Lys)

Gene: PROS1 (protein S; minus strand). Cytogenetic location: 3q11.1.
Variant type: single nucleotide variant.
Coding change: c.698G>A on transcript NM_000313.4 (MANE Select); coding-DNA position 698, G replaced by A.
Protein change: p.Arg233Lys; replaces arginine 233 with lysine.
Molecular consequence: missense variant.
Genome position (GRCh38, 1-based): chr3:93,900,833, C>T on the plus strand (G>A on the coding strand, the complement: PROS1 is on the minus strand). VCF-style: chr3-93900833-C-T. GRCh37 (hg19) VCF-style: chr3-93619677-C-T.
Other names: c.794G>A, p.Arg265Lys (NM_001314077.2); short protein forms R233K, R265K.
Identifiers: ClinVar variation 161346 (VCV000161346.21), dbSNP rs41267007, ClinGen allele CA211741.

ClinVar aggregate classification (germline): Conflicting classifications of pathogenicity. Review status: criteria provided, conflicting classifications (1 of 4 stars). 9 submissions from 9 submitters: Uncertain significance (2); Benign (3); Likely benign (2). 2 of the submissions do not count toward it. Last evaluated 2026-02-04.

Conditions:
PROS1-related disorder. Also called: PROS1-related condition.
Retinal dystrophy. Also called: Inherited retinal dystrophy. Identifiers: Orphanet 71862, MedGen C0854723, MeSH D058499, MONDO:0019118, HP:0000556.
Thrombophilia due to protein S deficiency, autosomal dominant (THPH5). Identifiers: Orphanet 26349, Orphanet 743, MedGen C3278211, MONDO:0012868, OMIM 612336. Disease mechanism: loss of function.
Thrombophilia due to protein S deficiency, autosomal recessive (THPH6). Identifiers: Orphanet 743, MedGen C3281092, MONDO:0013791, OMIM 614514. Disease mechanism: loss of function.
Finnish congenital nephrotic syndrome (NPHS1). Also called: NEPHROTIC SYNDROME, TYPE 1. Identifiers: Orphanet 839, MedGen C0403399, MONDO:0009732, OMIM 256300.
Protein S deficiency disease. Also called: Protein S deficiency. Identifiers: MedGen C0242666, MeSH D018455, MONDO:0002304.

Allele frequency attached by ClinVar (database versions not stated): ESP Exome Variant Server 0.00200; gnomAD 0.00202 and 0.00311; TOPMed 0.00220; gnomAD exomes 0.00551 and 0.00644; 1000 Genomes Project 0.00699; 1000 Genomes Project 30x 0.00718; ExAC 0.00738.
gnomAD v4.1: 8,523 of 1,613,702 alleles (0.53%); highest among the groups gnomAD compares: South Asian, 3.4%; 135 homozygotes.

Submissions (9):

Labcorp Genetics (formerly Invitae), Labcorp
Classification: Benign for Thrombophilia due to protein S deficiency, autosomal recessive. Last evaluated: 2026-02-04. Review status: criteria provided, single submitter. Criteria: Invitae Variant Classification Sherloc (09022015). Collection method: clinical testing. Allele origin: germline.

Mayo Clinic Laboratories, Mayo Clinic
Classification: Benign. Last evaluated: 2024-04-25. Review status: criteria provided, single submitter. Criteria: ACMG Guidelines, 2015. Collection method: clinical testing. Allele origin: germline. Observed: 4 variant alleles.

Institute of Human Genetics, Univ. Regensburg, Univ. Regensburg
Classification: Likely benign for Retinal dystrophy. Last evaluated: 2023-01-01. Review status: criteria provided, single submitter. Criteria: ACMG Guidelines, 2015. Collection method: clinical testing. Allele origin: germline. Affected: yes.

NIHR Bioresource Rare Diseases, University of Cambridge
Classification: Uncertain significance for Reduced protein S activity. Last evaluated: 2019-02-01. Review status: criteria provided, single submitter. Criteria: ACMG Guidelines, 2015. Collection method: research. Allele origin: unknown. Affected: yes. Observed: 1 heterozygote. Study: ThromboGenomics.

Illumina Laboratory Services, Illumina
Classification: Likely benign for Thrombophilia due to protein S deficiency, autosomal dominant. Last evaluated: 2017-04-27. Review status: criteria provided, single submitter. Criteria: ICSL Variant Classification Criteria 13 December 2019. Collection method: clinical testing. Allele origin: germline.
Comment: This variant was observed as part of a predisposition screen in an ostensibly healthy population. A literature search was performed for the gene, cDNA change, and amino acid change (where applicable). No publications were found based on this search. Allele frequency data from public databases allowed determination this variant is unlikely to cause disease. Therefore, this variant is classified as likely benign.

CSER _CC_NCGL, University of Washington
Classification: Uncertain significance for Protein S deficiency. Last evaluated: 2014-06-01. Review status: criteria provided, single submitter. Criteria: Amendola et al. (Genome Res. 2015). Collection method: research. Allele origin: germline. Inheritance: Autosomal dominant inheritance. Study: ESP 6500 variant annotation.
Comment: Low GERP score may suggest that this variant may belong in a lower pathogenicity class

Variants classified for the Actionable exomic incidental findings in 6503 participants: challenges of variant classification manuscript

Broad Center for Mendelian Genomics, Broad Institute of MIT and Harvard
Classification: Benign for Finnish congenital nephrotic syndrome. Review status: criteria provided, single submitter. Criteria: ACMG Guidelines, 2015. Collection method: research. Allele origin: germline. Inheritance: Autosomal dominant inheritance. Affected: yes.
Comment: The p.Arg233Lys variant in PROS1 has been identified in a family that included individuals with protein S deficiency but did not segregate with disease (PMID: 11858485), and has been identified in >3% of South Asian chromosomes and 28 homozygotes by ExAC. In summary, this variant meets criteria to be classified as benign for protein S deficiency.

Department of Transfusion Medicine and Hemostaseology, University Hospital Erlangen
Classification: Uncertain significance for Thrombophilia due to protein S deficiency, autosomal dominant. Last evaluated: 2025-09-01. Review status: no assertion criteria provided. Collection method: clinical testing. Allele origin: germline. Not counted in ClinVar's aggregate classification.
Comment: This variant was identified during a screening of patients with suspected hereditary Protein S deficiency. It has been repeatedly described in the literature as inconsistently correlating with protein S deficiency (PMID: e.g., 9241758, 10607700, 20880255) and has been characterized in vitro as not causative for Protein S deficiency (PMID: 18322254). According to dbSNP it represents a very rare genetic alteration, previously detected in the European population in both heterozygous and homozygous state according to the Allele Frequency Aggregator dataset. Several in silico variant effect prediction tools (PolyPhen-2, SIFT, AlphaMissense) classify this variant as likely benign. Taken together, we classified this variant as of uncertain significance.

PreventionGenetics, part of Exact Sciences
Classification: Likely benign for PROS1-related condition. Last evaluated: 2022-05-17. Review status: no assertion criteria provided. Collection method: clinical testing. Allele origin: germline. Not counted in ClinVar's aggregate classification.
Comment: This variant is classified as likely benign based on ACMG/AMP sequence variant interpretation guidelines (Richards et al. 2015 PMID: 25741868, with internal and published modifications).

Literature cited by the submitters: PubMed 11858485 (cited by Institute of Human Genetics, Univ. Regensburg, Univ. Regensburg and Broad Center for Mendelian Genomics, Broad Institute of MIT and Harvard); PubMed 10790208 (cited by Institute of Human Genetics, Univ. Regensburg, Univ. Regensburg); PubMed 11127877 (cited by Institute of Human Genetics, Univ. Regensburg, Univ. Regensburg and Broad Center for Mendelian Genomics, Broad Institute of MIT and Harvard); PubMed 18322254 (cited by Institute of Human Genetics, Univ. Regensburg, Univ. Regensburg and Department of Transfusion Medicine and Hemostaseology, University Hospital Erlangen); PubMed 20880255 (cited by 3 submitters); PubMed 24055113 (cited by Institute of Human Genetics, Univ. Regensburg, Univ. Regensburg and Broad Center for Mendelian Genomics, Broad Institute of MIT and Harvard); PubMed 24014240 (cited by Institute of Human Genetics, Univ. Regensburg, Univ. Regensburg and Broad Center for Mendelian Genomics, Broad Institute of MIT and Harvard); PubMed 25637381 (cited by Institute of Human Genetics, Univ. Regensburg, Univ. Regensburg); PubMed 27535533 (cited by Institute of Human Genetics, Univ. Regensburg, Univ. Regensburg); PubMed 31064749 (cited by Institute of Human Genetics, Univ. Regensburg, Univ. Regensburg and NIHR Bioresource Rare Diseases, University of Cambridge); PubMed 9241758 (cited by Department of Transfusion Medicine and Hemostaseology, University Hospital Erlangen); PubMed 10607700 (cited by Department of Transfusion Medicine and Hemostaseology, University Hospital Erlangen).